The following is an entry in ClinVar:

GRCh38/hg38 1p34.3-34.2(chr1:38108665-42327551)x1

Genes: MACF1 (microtubule actin crosslinking factor 1; plus strand), MFSD2A (MFSD2 lysolipid transporter A, lysophospholipid; plus strand), MIR30C1 (microRNA 30c-1; plus strand), MIR30E (microRNA 30e; plus strand), MIR3659HG (MIR3659 host gene; plus strand) and 267 more. Cytogenetic location: 1p34.3-34.2.
Variant type: copy number loss.
Change: copy number 1 (one copy instead of two) of chr1:38,108,665-42,327,551 (4.22 Mb, GRCh38 coordinates, 1-based), cytogenetic band 1p34.3-34.2.
Identifiers: ClinVar variation 59934 (VCV000059934.1).

ClinVar aggregate classification (germline): Pathogenic (1 of 4 stars; one submission).

Submission:

ISCA site 4
Classification: Pathogenic. Last evaluated: 2011-08-12. Review status: criteria provided, single submitter. Criteria: Kaminsky et al. (Genet Med. 2011). Collection method: clinical testing. Allele origin: unknown. Affected: yes. Observed: 1 variant allele.
Comment: Copy number variation identified through the course of routine clinical cytogenomic testing in postnatal populations. Clinical assertions have been curated as described in Kaminsky et al. 2011.